The following is an entry in ClinVar:

ClinVar aggregate classification (germline): Uncertain significance. Review status: criteria provided, multiple submitters, no conflicts (2 of 4 stars). 3 submissions from 3 submitters: Uncertain significance (3). Last evaluated 2024-01-22.

Conditions:
Senior-Loken syndrome 8 (SLSN8). Identifiers: Orphanet 3156, MedGen C4225376, MONDO:0014579, OMIM 616307.
Asphyxiating thoracic dystrophy 5 (SRTD5). Also called: SHORT-RIB THORACIC DYSPLASIA 5 WITH OR WITHOUT POLYDACTYLY; SHORT-RIB THORACIC DYSPLASIA 5 WITHOUT POLYDACTYLY. Identifiers: Orphanet 474, MedGen C3280598, MONDO:0013717, OMIM 614376.

Allele frequency attached by ClinVar (database versions not stated): TOPMed below 0.00001; gnomAD exomes 0.00001 and 0.00002; ExAC 0.00003.
gnomAD v4.1: 22 of 1,611,288 alleles (0.0014%); highest among the groups gnomAD compares: South Asian, 0.0044%; no homozygotes.

Submissions (3):

Labcorp Genetics (formerly Invitae), Labcorp
Classification: Uncertain significance for Senior-Loken syndrome 8; Asphyxiating thoracic dystrophy 5. Last evaluated: 2024-01-22. Review status: criteria provided, single submitter. Criteria: Invitae Variant Classification Sherloc (09022015). Collection method: clinical testing. Allele origin: germline.
Comment: This sequence change replaces threonine, which is neutral and polar, with methionine, which is neutral and non-polar, at codon 644 of the WDR19 protein (p.Thr644Met). This variant is present in population databases (rs770339514, gnomAD 0.009%). This variant has not been reported in the literature in individuals affected with WDR19-related conditions. ClinVar contains an entry for this variant (Variation ID: 1373136). Advanced modeling of protein sequence and biophysical properties (such as structural, functional, and spatial information, amino acid conservation, physicochemical variation, residue mobility, and thermodynamic stability) performed at Invitae indicates that this missense variant is not expected to disrupt WDR19 protein function with a negative predictive value of 80%. In summary, the available evidence is currently insufficient to determine the role of this variant in disease. Therefore, it has been classified as a Variant of Uncertain Significance.

Blueprint Genetics
Classification: Uncertain significance. Last evaluated: 2023-08-25. Review status: criteria provided, single submitter. Criteria: ACMG Guidelines, 2015. Collection method: clinical testing. Allele origin: germline.

CeGaT Center for Human Genetics Tuebingen
Classification: Uncertain significance. Last evaluated: 2022-04-01. Review status: criteria provided, single submitter. Criteria: CeGaT Center For Human Genetics Tuebingen Variant Classification Criteria Version 2. Collection method: clinical testing. Allele origin: germline. Affected: yes. Observed: 1 variant allele.
Comment: WDR19: PM2, BP4

NM_025132.4(WDR19):c.1931C>T (p.Thr644Met)

Gene: WDR19 (WD repeat domain 19; plus strand). Cytogenetic location: 4p14.
Variant type: single nucleotide variant.
Coding change: c.1931C>T on transcript NM_025132.4 (MANE Select); coding-DNA position 1931, C replaced by T.
Protein change: p.Thr644Met; replaces threonine 644 with methionine.
Molecular consequence: missense variant.
Genome position (GRCh38, 1-based): chr4:39,228,639, C>T. VCF-style: chr4-39228639-C-T. GRCh37 (hg19) VCF-style: chr4-39230259-C-T.
Other names: c.1451C>T, p.Thr484Met (NM_001317924.2); short protein forms T484M, T644M.
Identifiers: ClinVar variation 1373136 (VCV001373136.29), dbSNP rs770339514, ClinGen allele CA2891966.
Genomic context (GRCh38, chr4:39,228,639, plus strand): 5'-GTGGAAAAGTAAACAACATCTACCTTAGCACCCATGGCTTTCTCAGCAACTTAAAAGATA[C>T]GGGGCCTGACGAACTGAGACCAATGCTGGCACAGAATTTAATGCTAAAGAGGTAGGCTTT-3'
Protein context (NP_079408.3, residues 634-654): THGFLSNLKD[Thr644Met]GPDELRPMLA